The following is an entry in ClinVar:

ClinVar aggregate classification (germline): Uncertain significance (1 of 4 stars; one submission).

Conditions:
POLD1-related polyposis and colorectal cancer syndrome (CRCS10). Also called: Colorectal cancer, susceptibility to, 10; Colorectal cancer 10; COLORECTAL CANCER, SUSCEPTIBILITY TO, ON CHROMOSOME 19q. Identifiers: Orphanet 220460, MedGen C2675481, MONDO:0012953, OMIM 612591.

Submission:

Labcorp Genetics (formerly Invitae), Labcorp
Classification: Uncertain significance for POLD1-related polyposis and colorectal cancer syndrome. Last evaluated: 2018-08-20. Review status: criteria provided, single submitter. Criteria: Invitae Variant Classification Sherloc (09022015). Collection method: clinical testing. Allele origin: germline.
Comment: This sequence change replaces methionine with isoleucine at codon 760 of the POLD1 protein (p.Met760Ile). The methionine residue is highly conserved and there is a small physicochemical difference between methionine and isoleucine. In summary, the available evidence is currently insufficient to determine the role of this variant in disease. Therefore, it has been classified as a Variant of Uncertain Significance. Algorithms developed to predict the effect of missense changes on protein structure and function are either unavailable or do not agree on the potential impact of this missense change (SIFT: "Deleterious"; PolyPhen-2: "Probably Damaging"; Align-GVGD: "Class C0"). This variant has not been reported in the literature in individuals with POLD1-related disease. This variant is not present in population databases (ExAC no frequency).

NM_002691.4(POLD1):c.2280G>A (p.Met760Ile)

Gene: POLD1 (DNA polymerase delta 1, catalytic subunit; plus strand). Cytogenetic location: 19q13.33.
Variant type: single nucleotide variant.
Coding change: c.2280G>A on transcript NM_002691.4 (MANE Select); coding-DNA position 2280, G replaced by A.
Protein change: p.Met760Ile; replaces methionine 760 with isoleucine.
Molecular consequence: missense variant. On other transcripts: non-coding transcript variant (1).
Genome position (GRCh38, 1-based): chr19:50,413,771, G>A. VCF-style: chr19-50413771-G-A. GRCh37 (hg19) VCF-style: chr19-50917028-G-A.
Other names: c.2280G>A, p.Met760Ile (NM_001256849.1); c.2358G>A, p.Met786Ile (NM_001308632.1); short protein forms M760I, M786I.
Identifiers: ClinVar variation 643630 (VCV000643630.8), dbSNP rs1601238533, ClinGen allele CA406984043.